The following is an entry in ClinVar:

ClinVar aggregate classification (germline): Uncertain significance (1 of 4 stars; one submission).

Submission:

GeneDx
Classification: Uncertain significance. Last evaluated: 2026-03-24. Review status: criteria provided, single submitter. Criteria: GeneDx Variant Classification Process June 2021. Collection method: clinical testing. Allele origin: germline.
Comment: Not observed at significant frequency in large population cohorts (gnomAD); In silico analysis supports that this missense variant has a deleterious effect on protein structure/function; Has not been previously published as pathogenic or benign to our knowledge

NM_001366521.1(ATP2B1):c.373T>A (p.Ser125Thr)

Gene: ATP2B1 (ATPase plasma membrane Ca2+ transporting 1; minus strand). Cytogenetic location: 12q21.33.
Variant type: single nucleotide variant.
Coding change: c.373T>A on transcript NM_001366521.1 (MANE Select); coding-DNA position 373, T replaced by A.
Protein change: p.Ser125Thr; replaces serine 125 with threonine.
Molecular consequence: missense variant. On other transcripts: intron variant (3), non-coding transcript variant (3).
Genome position (GRCh38, 1-based): chr12:89,642,191, A>T on the plus strand (T>A on the coding strand, the complement: ATP2B1 is on the minus strand). VCF-style: chr12-89642191-A-T. GRCh37 (hg19) VCF-style: chr12-90035968-A-T.
Other names: c.373T>A, p.Ser125Thr (NM_001001323.2, NM_001366520.1, NM_001366522.1 and 23 more transcripts); c.209-6940T>A (NM_001366530.1, NM_001413053.1); c.209-7288T>A (NM_001413057.1); short protein forms S125T.
Identifiers: ClinVar variation 5017123 (VCV005017123.1).